The following is an entry in ClinVar:

NM_153676.4(USH1C):c.238del (p.Arg80fs)

Gene: USH1C (USH1 protein network component harmonin; minus strand). Cytogenetic location: 11p15.1.
Variant type: Deletion.
Coding change: c.238del on transcript NM_153676.4 (MANE Select); coding-DNA position 238, one base deleted (C; older notation c.238delC).
Protein change: p.Arg80fs; shifts the reading frame from arginine 80.
Molecular consequence: frameshift variant. On other transcripts: non-coding transcript variant (1).
Genome position (GRCh38, 1-based): chr11:17,531,409, G deleted on the plus strand (C on the coding strand, the reverse complement: USH1C is on the minus strand); the first of 6 consecutive G bases (chr11:17,531,409-17,531,414); deleting any one gives the same sequence. VCF-style (leftmost placement, unchanged base first): chr11-17531408-CG-C. GRCh37 (hg19) VCF-style: chr11-17552955-CG-C.
Other names: c.238delC (NM_005709.3); c.238del, p.Arg80fs (NM_001297764.2, NM_005709.4); short protein forms R80fs.
Identifiers: ClinVar variation 1069904 (VCV001069904.10), dbSNP rs397515359, ClinGen allele CA597904683.
Genomic context (GRCh38, chr11:17,531,408, plus strand): 5'-CCAGGGTGATCTCTCCACCCCCTGCCTCCAGCCTGGTGGCTTCCTCTGCACCTGGAGCGC[CG>C]GGGGGTCAGCTGATCATATTCCACCTGGTGCTTCAGTGGGATCAGCGGCCGAATGGCATC-3'

ClinVar aggregate classification (germline): Pathogenic/Likely pathogenic. Review status: criteria provided, multiple submitters, no conflicts (2 of 4 stars). 4 submissions from 4 submitters: Pathogenic (3); Likely pathogenic (1). Last evaluated 2024-08-14.

Conditions:
Usher syndrome type 1C. Also called: USHER SYNDROME, TYPE I, ACADIAN VARIETY. Identifiers: Orphanet 231169, Orphanet 886, MedGen C1848604, MONDO:0010171, OMIM 276904.
Autosomal recessive nonsyndromic hearing loss 18A. Also called: DEAFNESS, AUTOSOMAL RECESSIVE 18; Deafness, autosomal recessive 18A. Identifiers: Orphanet 90636, MedGen C1865870, MONDO:0011192, OMIM 602092.

Submissions (4):

Natera, Inc.
Classification: Likely pathogenic for Usher syndrome type 1C. Last evaluated: 2024-08-14. Review status: criteria provided, single submitter. Criteria: Natera Variant Classification Schema (03/2026). Collection method: clinical testing. Allele origin: germline.
Comment: The c.238delC variant in USH1C is a frameshift variant predicted to shift the reading frame beginning at codon 80 and leads to a stop codon 6 codons downstream. This variant is expected to result in nonsense mediated decay, truncation, or a dysfunctional protein product. This variant is rare in the general population with a frequency below the threshold expected for the associated phenotype(s). Given the available evidence, this variant is classified as Likely Pathogenic.

Labcorp Genetics (formerly Invitae), Labcorp
Classification: Pathogenic. Last evaluated: 2023-04-24. Review status: criteria provided, single submitter. Criteria: Invitae Variant Classification Sherloc (09022015). Collection method: clinical testing. Allele origin: germline.
Comment: For these reasons, this variant has been classified as Pathogenic. The frequency data for this variant in the population databases is considered unreliable, as metrics indicate poor data quality at this position in the gnomAD database. This variant has not been reported in the literature in individuals affected with USH1C-related conditions. ClinVar contains an entry for this variant (Variation ID: 1069904). This sequence change creates a premature translational stop signal (p.Arg80Glyfs*6) in the USH1C gene. It is expected to result in an absent or disrupted protein product. Loss-of-function variants in USH1C are known to be pathogenic (PMID: 10973247, 17407589, 20301442, 21203349).

Baylor Genetics
Classification: Pathogenic for Autosomal recessive nonsyndromic hearing loss 18A. Last evaluated: 2023-03-04. Review status: criteria provided, single submitter. Criteria: ACMG Guidelines, 2015. Collection method: clinical testing. Allele origin: unknown.

Kariminejad - Najmabadi Pathology & Genetics Center
Classification: Pathogenic for Usher syndrome type 1C. Review status: criteria provided, single submitter. Criteria: ACMG Guidelines, 2015. Collection method: clinical testing. Allele origin: germline. Affected: no.

Literature cited by the submitters: PubMed 10973247 (cited by Labcorp Genetics (formerly Invitae), Labcorp); PubMed 17407589 (cited by Labcorp Genetics (formerly Invitae), Labcorp); PubMed 20301442 (cited by Labcorp Genetics (formerly Invitae), Labcorp); PubMed 21203349 (cited by Labcorp Genetics (formerly Invitae), Labcorp).